The following is an entry in ClinVar:

ClinVar aggregate classification (germline): Pathogenic. Review status: criteria provided, multiple submitters, no conflicts (2 of 4 stars). 8 submissions from 8 submitters: Pathogenic (7). 1 of the submissions does not count toward it. Last evaluated 2026-03-30.

Conditions:
ADAMTS13-related disorder. Also called: ADAMTS13-related condition.
Upshaw-Schulman syndrome (TTP). Also called: THROMBOTIC THROMBOCYTOPENIC PURPURA, HEREDITARY; Congenital thrombotic thrombocytopenic purpura. Identifiers: Orphanet 93583, MedGen C1268935, MONDO:0010122, OMIM 274150.

Allele frequency attached by ClinVar (database versions not stated): gnomAD exomes 0.00005 and 0.00007; gnomAD 0.00006; TOPMed 0.00007; ESP Exome Variant Server 0.00008; ExAC 0.00009.

Submissions (8):

GeneDx
Classification: Pathogenic. Last evaluated: 2026-03-30. Review status: criteria provided, single submitter. Criteria: GeneDx Variant Classification Process June 2021. Collection method: clinical testing. Allele origin: germline.
Comment: Observed multiple times with another ADAMTS13 variant in unrelated patients with thrombotic thrombocytopenic purpura in published literature, but it is not known whether the variants occurred on the same (in cis) or on different (in trans) chromosomes in some cases (PMID: 12434890, 22529288, 29554699); Frameshift variant predicted to result in abnormal protein length as the last 46 amino acids are replaced with 5 different amino acids, and other similar variants have been reported in HGMD; Published functional studies demonstrate a damaging effect: abnormal protein secretion and reduced enzyme activity (PMID: 29554699, 14512317, 18835837, 16597588); This variant is associated with the following publications: (PMID: 31589614, 34789164, 23346910, 26139087, 30792199, 29554699, 12393505, 16807643, 14512317, 16597588, 23700827, 18835837, 22529288, 12434890, 20118810)

Labcorp Genetics (formerly Invitae), Labcorp
Classification: Pathogenic. Last evaluated: 2025-02-16. Review status: criteria provided, single submitter. Criteria: Invitae Variant Classification Sherloc (09022015). Collection method: clinical testing. Allele origin: germline.
Comment: This sequence change creates a premature translational stop signal (p.Glu1382Argfs*6) in the ADAMTS13 gene. While this is not anticipated to result in nonsense mediated decay, it is expected to disrupt the last 46 amino acid(s) of the ADAMTS13 protein. This variant is present in population databases (rs781855393, gnomAD 0.02%). This premature translational stop signal has been observed in individual(s) with thrombotic thrombocytopenic purpura (PMID: 12434890, 22529288, 23346910, 29554699, 30792199). In at least one individual the data is consistent with being in trans (on the opposite chromosome) from a pathogenic variant. ClinVar contains an entry for this variant (Variation ID: 5807). Algorithms developed to predict the effect of sequence changes on RNA splicing suggest that this variant may disrupt the consensus splice site. For these reasons, this variant has been classified as Pathogenic.

Mayo Clinic Laboratories, Mayo Clinic
Classification: Pathogenic. Last evaluated: 2025-01-28. Review status: criteria provided, single submitter. Criteria: ACMG Guidelines, 2015. Collection method: clinical testing. Allele origin: germline. Observed: 3 variant alleles.
Comment: PP4, PM3, PS3, PS4_moderate, PVS1_moderate

Blueprint Genetics
Classification: Pathogenic for ADAMTS13-related disorders. Last evaluated: 2024-09-13. Review status: criteria provided, single submitter. Criteria: ACMG Guidelines, 2015. Collection method: clinical testing. Allele origin: germline. Affected: yes. Observed: 5 variant alleles.

Fulgent Genetics
Classification: Pathogenic for Upshaw-Schulman syndrome. Last evaluated: 2024-04-20. Review status: criteria provided, single submitter. Criteria: ACMG Guidelines, 2015. Collection method: clinical testing. Allele origin: germline.

MVZ Medizinische Genetik Mainz
Classification: Pathogenic for Upshaw-Schulman syndrome. Last evaluated: 2024-03-27. Review status: criteria provided, single submitter. Criteria: UK Practice Guidelines For Variant Classification V4 01 2020. Collection method: clinical testing. Allele origin: germline. Inheritance: Autosomal recessive inheritance. Affected: yes. Observed: 1 variant allele.
Comment: ACMG Criteria: PM3_VSTR,PS4,PVS1_MOD,PS3_SUP,PM2_SUP,PP4

Laboratory for Molecular Medicine, Mass General Brigham Personalized Medicine
Classification: Pathogenic for Upshaw-Schulman syndrome. Last evaluated: 2021-03-19. Review status: criteria provided, single submitter. Criteria: LMM Criteria. Collection method: clinical testing. Allele origin: germline. Inheritance: Autosomal recessive inheritance. Observed: 1 variant allele.
Comment: The p.Glu1382ArgfsX6 variant in ADAMTS13 has been reported in the homozygous or compound heterozygous state in over 20 individuals with hereditary or congenital thrombotic thrombocytopenic purpura (cTTP; Kentouche 2002 PMID: 12434890, Pimanda 2004 PMID: 14512317, Hassenpflug 2018 PMID: 29554699; van Dorland 2019 PMID: 30792199). This variant represents the most common pathogenic variant associated with cTTP in European populations (van Dorland 2019 PMID: 30792199) and has been identified in 0.015% (19/128102) of European chromosomes by gnomAD. It has also been reported in ClinVar (Variation ID 5807). This variant is predicted to cause a frameshift, which alters the proteinâ€™s amino acid sequence beginning at position 1382 and leads to a premature termination codon 6 amino acids downstream. This alteration occurs within the last exon and is, therefore, likely to escape nonsense mediated decay (NMD) and result in a truncated protein. In vitro functional studies support that the truncation impacts protein secretion (Pimanda 2004 PMID: 14512317, Shang 2006 PMID: 16597588, Hassenpflug 2018 PMID: 29554699). In summary, this variant meets criteria to be classified as pathogenic for autosomal recessive cTTP. ACMG/AMP criteria applied: PM3_VeryStrong, PVS1_Moderate, PS3_Supporting.

OMIM
Classification: Pathogenic for THROMBOTIC THROMBOCYTOPENIC PURPURA, HEREDITARY. Last evaluated: 2004-11-01. Review status: no assertion criteria provided. Collection method: literature only. Allele origin: germline. Not counted in ClinVar's aggregate classification.

Literature cited by the submitters: PubMed 12434890 (cited by Labcorp Genetics (formerly Invitae), Labcorp and Laboratory for Molecular Medicine, Mass General Brigham Personalized Medicine); PubMed 22529288 (cited by Labcorp Genetics (formerly Invitae), Labcorp); PubMed 23346910 (cited by Labcorp Genetics (formerly Invitae), Labcorp); PubMed 29554699 (cited by 3 submitters); PubMed 30792199 (cited by 4 submitters); PubMed 14512317 (cited by Mayo Clinic Laboratories, Mayo Clinic and Laboratory for Molecular Medicine, Mass General Brigham Personalized Medicine); PubMed 16597588 (cited by Mayo Clinic Laboratories, Mayo Clinic and Laboratory for Molecular Medicine, Mass General Brigham Personalized Medicine); PubMed 24499950 (cited by Mayo Clinic Laboratories, Mayo Clinic); PubMed 26342041 (cited by Mayo Clinic Laboratories, Mayo Clinic); PubMed 26830967 (cited by Mayo Clinic Laboratories, Mayo Clinic); PubMed 36281781 (cited by Mayo Clinic Laboratories, Mayo Clinic); PubMed 38935915 (cited by Mayo Clinic Laboratories, Mayo Clinic); PubMed 15521921 (cited by OMIM).

NM_139027.6(ADAMTS13):c.3975dup (p.Glu1326fs)

Gene: ADAMTS13 (ADAM metallopeptidase with thrombospondin type 1 motif 13; plus strand). Cytogenetic location: 9q34.2.
Variant type: Duplication.
Coding change: c.3975dup on transcript NM_139027.6 (MANE Select); coding-DNA position 3975, one base duplicated (A; older notation c.3975dupA).
Protein change: p.Glu1326fs; shifts the reading frame from glutamic acid 1326.
Molecular consequence: frameshift variant. On other transcripts: non-coding transcript variant (1).
Genome position (GRCh38, 1-based): chr9:133,459,039, A duplicated. VCF-style (leftmost placement, unchanged base first): chr9-133459038-C-CA. GRCh37 (hg19) VCF-style: chr9-136324160-C-CA.
Other names: p.Glu1382Argfs*6; c.4143dup (NM_139025.3); c.4143dup, p.Glu1382fs (LRG_544t1, NM_139025.5); c.3882dup, p.Glu1295fs (NM_139026.6); short protein forms E1295fs, E1326fs, E1382fs.
Identifiers: ClinVar variation 5807 (VCV000005807.19), dbSNP rs387906343, ClinGen allele CA117764.